The following is an entry in ClinVar:

NM_021098.3(CACNA1H):c.470C>T (p.Ala157Val)

Gene: CACNA1H (calcium voltage-gated channel subunit alpha1 H; plus strand). Cytogenetic location: 16p13.3.
Variant type: single nucleotide variant.
Coding change: c.470C>T on transcript NM_021098.3 (MANE Select); coding-DNA position 470, C replaced by T.
Protein change: p.Ala157Val; replaces alanine 157 with valine.
Molecular consequence: missense variant.
Genome position (GRCh38, 1-based): chr16:1,195,490, C>T. VCF-style: chr16-1195490-C-T. GRCh37 (hg19) VCF-style: chr16-1245490-C-T.
Other names: c.470C>T, p.Ala157Val (NM_001005407.2); short protein forms A157V.
Identifiers: ClinVar variation 3360373 (VCV003360373.1).
Genomic context (GRCh38, chr16:1,195,490, plus strand): 5'-AGGCCTTTGACGCCTTCATTTTCGCCTTTTTTGCGGTGGAGATGGTCATCAAGATGGTGG[C>T]CTTGGGGCTGTTCGGGCAGAAGTGTTACCTGGGTGACACGTGGAACAGGCTGGATTTCTT-3'
Protein context (NP_066921.2, residues 147-167): FAVEMVIKMV[Ala157Val]LGLFGQKCYL

ClinVar aggregate classification (germline): Uncertain significance (1 of 4 stars; one submission).

Submission:

GeneDx
Classification: Uncertain significance. Last evaluated: 2023-06-28. Review status: criteria provided, single submitter. Criteria: GeneDx Variant Classification Process June 2021. Collection method: clinical testing. Allele origin: germline. Affected: yes.
Comment: Not observed at significant frequency in large population cohorts (gnomAD); In silico analysis supports that this missense variant has a deleterious effect on protein structure/function; Has not been previously published as pathogenic or benign to our knowledge